The following is an entry in ClinVar:

NM_001148.6(ANK2):c.4016C>T (p.Pro1339Leu)

Gene: ANK2 (ankyrin 2; plus strand). Cytogenetic location: 4q26.
Variant type: single nucleotide variant.
Coding change: c.4016C>T on transcript NM_001148.6 (MANE Select); coding-DNA position 4016, C replaced by T.
Protein change: p.Pro1339Leu; replaces proline 1339 with leucine.
Molecular consequence: missense variant.
Genome position (GRCh38, 1-based): chr4:113,341,810, C>T. VCF-style: chr4-113341810-C-T. GRCh37 (hg19) VCF-style: chr4-114262966-C-T.
Other names: p.P1339L:CCC>CTC; c.3989C>T, p.Pro1330Leu (NM_001127493.3); c.4028C>T, p.Pro1343Leu (NM_001354225.2); c.3917C>T, p.Pro1306Leu (NM_001354228.2, NM_001354258.2); c.3995C>T, p.Pro1332Leu (NM_001354230.2); c.4058C>T, p.Pro1353Leu (NM_001354231.2, NM_001354242.2); c.4052C>T, p.Pro1351Leu (NM_001354232.2); c.4013C>T, p.Pro1338Leu (NM_001354235.2, NM_001354246.2, NM_001354265.2); and 32 more; short protein forms P1330L, P1339L, P1244L, P1252L, P1264L, P1272L, P1318L, P1353L.
Identifiers: ClinVar variation 190570 (VCV000190570.16), dbSNP rs371357815, ClinGen allele CA300908.
Genomic context (GRCh38, chr4:113,341,810, plus strand): 5'-GAGAAATTATCTGCGTACCTTATATGGCCAAATTTGTAGTGTTTGCCAAATCACATGACC[C>T]CATTGAAGCCAGGTTGAGGTGTTTCTGCATGACTGATGATAAAGTGGATAAGACCCTTGA-3'
Protein context (NP_001139.3, residues 1329-1349): KFVVFAKSHD[Pro1339Leu]IEARLRCFCM

ClinVar aggregate classification (germline): Conflicting classifications of pathogenicity. Review status: criteria provided, conflicting classifications (1 of 4 stars). 5 submissions from 5 submitters: Uncertain significance (2); Likely benign (3). Last evaluated 2025-08-26.

Conditions:
Cardiovascular phenotype. Identifiers: MedGen CN230736.
Long QT syndrome 4 (LQT4). Identifiers: Orphanet 101016, MedGen C1833154, MONDO:0800323.
Cardiac arrhythmia, ankyrin-B-related. Also called: ANKYRIN-B SYNDROME. Identifiers: Orphanet 101016, Orphanet 768, MedGen C1970119, MONDO:0010958, OMIM 600919.
Autism spectrum disorder. Also called: Autism spectrum disorders. Identifiers: MedGen C1510586, MeSH D000067877, MONDO:0005258.
Long QT syndrome (LQTS). Identifiers: MedGen C0023976, MeSH D008133, MONDO:0002442. Disease mechanism: loss of function. Inheritance: Various modes of inheritance.

Allele frequency attached by ClinVar (database versions not stated): TOPMed 0.00006; gnomAD 0.00007; ExAC 0.00008; ESP Exome Variant Server 0.00008; gnomAD exomes 0.00008 and 0.00011.
gnomAD v4.1: 186 of 1,613,916 alleles (0.012%); highest among the groups gnomAD compares: Non-Finnish European, 0.014%; no homozygotes.

Submissions (5):

Labcorp Genetics (formerly Invitae), Labcorp
Classification: Uncertain significance for Long QT syndrome. Last evaluated: 2025-08-26. Review status: criteria provided, single submitter. Criteria: Invitae Variant Classification Sherloc (09022015). Collection method: clinical testing. Allele origin: germline.
Comment: This sequence change replaces proline, which is neutral and non-polar, with leucine, which is neutral and non-polar, at codon 1339 of the ANK2 protein (p.Pro1339Leu). This variant is present in population databases (rs371357815, gnomAD 0.02%). This missense change has been observed in individual(s) with clinical features of ANK2-related conditions (PMID: 33004838). ClinVar contains an entry for this variant (Variation ID: 190570). Invitae Evidence Modeling of protein sequence and biophysical properties (such as structural, functional, and spatial information, amino acid conservation, physicochemical variation, residue mobility, and thermodynamic stability) indicates that this missense variant is not expected to disrupt ANK2 protein function with a negative predictive value of 80%. In summary, the available evidence is currently insufficient to determine the role of this variant in disease. Therefore, it has been classified as a Variant of Uncertain Significance.

GeneDx
Classification: Uncertain significance. Last evaluated: 2024-12-23. Review status: criteria provided, single submitter. Criteria: GeneDx Variant Classification Process June 2021. Collection method: clinical testing. Allele origin: germline. Affected: yes.
Comment: In silico analysis supports that this missense variant has a deleterious effect on protein structure/function; Reported in individual(s) with neurodevelopmental disorders in published literature (PMID: 33004838); This variant is associated with the following publications: (PMID: 25650408, 33004838)

Blueprint Genetics
Classification: Likely benign. Last evaluated: 2024-10-17. Review status: criteria provided, single submitter. Criteria: ACMG Guidelines, 2015. Collection method: clinical testing. Allele origin: germline.

Ambry Genetics
Classification: Likely benign for Cardiovascular phenotype. Last evaluated: 2021-11-29. Review status: criteria provided, single submitter. Criteria: Ambry Variant Classification Scheme 2023. Collection method: clinical testing. Allele origin: germline.

Women's Health and Genetics/Laboratory Corporation of America, LabCorp
Classification: Likely benign. Last evaluated: 2020-09-08. Review status: criteria provided, single submitter. Criteria: LabCorp Variant Classification Summary - May 2015. Collection method: clinical testing. Allele origin: germline.
Comment: Variant summary: ANK2 c.4016C>T (p.Pro1339Leu) results in a non-conservative amino acid change located in the Ankyrin, UPA domain (IPR040745) of the encoded protein sequence. Three of five in-silico tools predict a damaging effect of the variant on protein function. The variant allele was found at a frequency of 8.4e-05 in 251292 control chromosomes, predominantly at a frequency of 0.00018 within the Non-Finnish European subpopulation in the gnomAD database. The observed variant frequency within Non-Finnish European control individuals in the gnomAD database is approximately 27-fold of the estimated maximal expected allele frequency for a pathogenic variant in ANK2 causing Long QT Syndrome phenotype (6.7e-06), strongly suggesting that the variant is a benign polymorphism found primarily in populations of Non-Finnish European origin. To our knowledge, no occurrence of c.4016C>T in individuals affected with Long QT Syndrome and no experimental evidence demonstrating its impact on protein function have been reported. Two ClinVar submitters (evaluation after 2014) cite the variant as uncertain significance. Based on the evidence outlined above, the variant was classified as likely benign.

Literature cited by the submitters: PubMed 33004838 (cited by Labcorp Genetics (formerly Invitae), Labcorp); PubMed 25650408 (cited by Women's Health and Genetics/Laboratory Corporation of America, LabCorp).